The following is an entry in ClinVar:

ClinVar aggregate classification (germline): Uncertain significance (1 of 4 stars; one submission).

Conditions:
Succinate-semialdehyde dehydrogenase deficiency (SSADHD). Also called: Succinic Semialdehyde Dehydrogenase Deficiency; SSADH DEFICIENCY; 4-HYDROXYBUTYRIC ACIDURIA; GABA METABOLIC DEFECT. Identifiers: Orphanet 22, MedGen C0268631, MONDO:0010083, OMIM 271980.

Allele frequency attached by ClinVar (database versions not stated): TOPMed 0.00001.
gnomAD v4.1: 8 of 1,614,228 alleles (0.0005%); highest among the groups gnomAD compares: Non-Finnish European, 0.00068%; no homozygotes.

Submission:

Labcorp Genetics (formerly Invitae), Labcorp
Classification: Uncertain significance for Succinate-semialdehyde dehydrogenase deficiency. Last evaluated: 2024-10-30. Review status: criteria provided, single submitter. Criteria: Invitae Variant Classification Sherloc (09022015). Collection method: clinical testing. Allele origin: germline.
Comment: This sequence change replaces valine, which is neutral and non-polar, with leucine, which is neutral and non-polar, at codon 226 of the ALDH5A1 protein (p.Val226Leu). This variant is not present in population databases (gnomAD no frequency). This variant has not been reported in the literature in individuals affected with ALDH5A1-related conditions. ClinVar contains an entry for this variant (Variation ID: 1005844). Invitae Evidence Modeling of protein sequence and biophysical properties (such as structural, functional, and spatial information, amino acid conservation, physicochemical variation, residue mobility, and thermodynamic stability) has been performed for this missense variant. However, the output from this modeling did not meet the statistical confidence thresholds required to predict the impact of this variant on ALDH5A1 protein function. In summary, the available evidence is currently insufficient to determine the role of this variant in disease. Therefore, it has been classified as a Variant of Uncertain Significance.

NM_001080.3(ALDH5A1):c.676G>T (p.Val226Leu)

Gene: ALDH5A1 (aldehyde dehydrogenase 5 family member A1; plus strand). Cytogenetic location: 6p22.3.
Variant type: single nucleotide variant.
Coding change: c.676G>T on transcript NM_001080.3 (MANE Select); coding-DNA position 676, G replaced by T.
Protein change: p.Val226Leu; replaces valine 226 with leucine.
Molecular consequence: missense variant.
Genome position (GRCh38, 1-based): chr6:24,504,935, G>T. VCF-style: chr6-24504935-G-T. GRCh37 (hg19) VCF-style: chr6-24505163-G-T.
Other names: c.676G>T, p.Val226Leu (NM_001368954.1, NM_170740.1); short protein forms V226L.
Identifiers: ClinVar variation 1005844 (VCV001005844.7), dbSNP rs770884090, ClinGen allele CA362970110.
Genomic context (GRCh38, chr6:24,504,935, plus strand): 5'-TTCCCCAGTGCCATGATCACCCGGAAGGTGGGGGCCGCCCTGGCAGCCGGCTGTACTGTC[G>T]TGGTGAAGCCTGCCGAAGACACGCCCTTCTCCGCCCTGGCCCTGGCTGAGGTGAGCCGCT-3'
Protein context (NP_001071.1, residues 216-236): GAALAAGCTV[Val226Leu]VKPAEDTPFS